The following is an entry in ClinVar:

ClinVar aggregate classification (germline): Conflicting classifications of pathogenicity. Review status: criteria provided, conflicting classifications (1 of 4 stars). 4 submissions from 4 submitters: Pathogenic (1); Likely pathogenic (1); Uncertain significance (2). Last evaluated 2021-04-01.

Conditions:
Retinitis pigmentosa (RP). Identifiers: Orphanet 791, MedGen C0035334, MeSH D012174, MONDO:0019200, OMIM 268000. Inheritance: Autosomal dominant, autosomal recessive and X linked inheritance.
PRPF8-related disorder. Also called: PRPF8-related condition.
Retinal dystrophy. Also called: Inherited retinal dystrophy. Identifiers: Orphanet 71862, MedGen C0854723, MeSH D058499, MONDO:0019118, HP:0000556.

Submissions (4):

Broad Center for Mendelian Genomics, Broad Institute of MIT and Harvard
Classification: Uncertain significance for Retinitis pigmentosa. Last evaluated: 2021-04-01. Review status: criteria provided, single submitter. Criteria: ACMG Guidelines, 2015. Collection method: curation. Allele origin: germline. Inheritance: Autosomal dominant inheritance. Affected: yes.
Comment: Through a review of available evidence we were able to apply the following criteria: PM2, PP3. Based on this evidence we have classified this variant as a Variant of Uncertain Significance. If you have any questions about the classification please reach out to the Pierce Lab.

Blueprint Genetics
Classification: Likely pathogenic for PRPF8-related disorders. Last evaluated: 2020-08-26. Review status: criteria provided, single submitter. Criteria: ACMG Guidelines, 2015. Collection method: clinical testing. Allele origin: germline. Affected: yes. Observed: 1 variant allele.

Molecular Genetics Laboratory, Institute for Ophthalmic Research
Classification: Pathogenic for Retinitis pigmentosa. Last evaluated: 2020-01-09. Review status: criteria provided, single submitter. Criteria: ACMG Guidelines, 2015. Collection method: research. Allele origin: germline. Affected: yes.

Institute of Human Genetics, Univ. Regensburg, Univ. Regensburg
Classification: Uncertain significance for Retinal dystrophy. Last evaluated: 2017-01-01. Review status: criteria provided, single submitter. Criteria: ACMG Guidelines, 2015. Collection method: clinical testing. Allele origin: germline. Affected: yes.

Literature cited by the submitters: PubMed 34906470 (cited by Broad Center for Mendelian Genomics, Broad Institute of MIT and Harvard); PubMed 32531858 (cited by Institute of Human Genetics, Univ. Regensburg, Univ. Regensburg).

NM_006445.4(PRPF8):c.5803C>T (p.Arg1935Cys)

Gene: PRPF8 (pre-mRNA processing factor 8; minus strand). Cytogenetic location: 17p13.3.
Variant type: single nucleotide variant.
Coding change: c.5803C>T on transcript NM_006445.4 (MANE Select); coding-DNA position 5803, C replaced by T.
Protein change: p.Arg1935Cys; replaces arginine 1935 with cysteine.
Molecular consequence: missense variant.
Genome position (GRCh38, 1-based): chr17:1,655,534, G>A on the plus strand (C>T on the coding strand, the complement: PRPF8 is on the minus strand). VCF-style: chr17-1655534-G-A. GRCh37 (hg19) VCF-style: chr17-1558828-G-A.
Other names: short protein forms R1935C.
Identifiers: ClinVar variation 813075 (VCV000813075.6), dbSNP rs1911322255, ClinGen allele CA397569805.